The following is an entry in ClinVar:

ClinVar aggregate classification (germline): Uncertain significance. Review status: criteria provided, multiple submitters, no conflicts (2 of 4 stars). 2 submissions from 2 submitters: Uncertain significance (2). Last evaluated 2026-07-06.

Conditions:
Hereditary cancer-predisposing syndrome. Also called: Tumor predisposition; Hereditary neoplastic syndrome; Neoplastic Syndromes, Hereditary; Hereditary Cancer Syndrome. Identifiers: Orphanet 140162, MedGen C0027672, MeSH D009386, MONDO:0015356.
Gastrointestinal stromal tumor. Also called: Gastrointestinal stroma tumor; Gastrointestinal stromal tumor, somatic. Identifiers: Orphanet 44890, MedGen C0238198, MeSH D046152, MONDO:0011719, OMIM 606764, HP:0100723.

Submissions (2):

Ambry Genetics
Classification: Uncertain significance for Hereditary cancer-predisposing syndrome. Last evaluated: 2026-07-06. Review status: criteria provided, single submitter. Criteria: Ambry Variant Classification Scheme 2023. Collection method: clinical testing. Allele origin: germline.
Comment: The p.P838L variant (also known as c.2513C>T), located in coding exon 18 of the KIT gene, results from a C to T substitution at nucleotide position 2513. The proline at codon 838 is replaced by leucine, an amino acid with similar properties. This amino acid position is conserved. In addition, this alteration is predicted to be deleterious by in silico analysis. Based on the available evidence, the clinical significance of this variant remains unclear.

Labcorp Genetics (formerly Invitae), Labcorp
Classification: Uncertain significance for Gastrointestinal stromal tumor. Last evaluated: 2019-12-29. Review status: criteria provided, single submitter. Criteria: Invitae Variant Classification Sherloc (09022015). Collection method: clinical testing. Allele origin: germline.
Comment: In summary, the available evidence is currently insufficient to determine the role of this variant in disease. Therefore, it has been classified as a Variant of Uncertain Significance. Algorithms developed to predict the effect of missense changes on protein structure and function (SIFT, PolyPhen-2, Align-GVGD) all suggest that this variant is likely to be disruptive, but these predictions have not been confirmed by published functional studies and their clinical significance is uncertain. This variant has not been reported in the literature in individuals with KIT-related conditions. This variant is not present in population databases (ExAC no frequency). This sequence change replaces proline with leucine at codon 838 of the KIT protein (p.Pro838Leu). The proline residue is highly conserved and there is a moderate physicochemical difference between proline and leucine.

NM_000222.3(KIT):c.2513C>T (p.Pro838Leu)

Gene: KIT (KIT proto-oncogene, receptor tyrosine kinase; plus strand). Cytogenetic location: 4q12.
Variant type: single nucleotide variant.
Coding change: c.2513C>T on transcript NM_000222.3 (MANE Select); coding-DNA position 2513, C replaced by T.
Protein change: p.Pro838Leu; replaces proline 838 with leucine.
Molecular consequence: missense variant.
Genome position (GRCh38, 1-based): chr4:54,736,526, C>T. VCF-style: chr4-54736526-C-T. GRCh37 (hg19) VCF-style: chr4-55602692-C-T.
Other names: c.2501C>T, p.Pro834Leu (NM_001093772.2, NM_001385292.1); c.2516C>T, p.Pro839Leu (NM_001385284.1); c.2510C>T, p.Pro837Leu (NM_001385285.1); c.2498C>T, p.Pro833Leu (NM_001385286.1); c.2504C>T, p.Pro835Leu (NM_001385288.1); c.2513C>T, p.Pro838Leu (NM_001385290.1); short protein forms P838L, P834L, P833L, P835L, P837L, P839L.
Identifiers: ClinVar variation 857009 (VCV000857009.18), dbSNP rs1722930772, ClinGen allele CA356913017.